The following is an entry in ClinVar:

NM_018255.4(ELP2):c.2045A>T (p.Lys682Met)

Gene: ELP2 (elongator acetyltransferase complex subunit 2; plus strand). Cytogenetic location: 18q12.2.
Variant type: single nucleotide variant.
Coding change: c.2045A>T on transcript NM_018255.4 (MANE Select); coding-DNA position 2045, A replaced by T.
Protein change: p.Lys682Met; replaces lysine 682 with methionine.
Molecular consequence: missense variant. On other transcripts: non-coding transcript variant (4).
Genome position (GRCh38, 1-based): chr18:36,167,191, A>T. VCF-style: chr18-36167191-A-T. GRCh37 (hg19) VCF-style: chr18-33747154-A-T.
Other names: c.2240A>T, p.Lys747Met (NM_001242875.3); c.2030A>T, p.Lys677Met (NM_001242876.3); c.1967A>T, p.Lys656Met (NM_001242877.3); c.1835A>T, p.Lys612Met (NM_001242878.3, NM_001242879.3); c.1913A>T, p.Lys638Met (NM_001324465.2); c.2162A>T, p.Lys721Met (NM_001324466.2); c.1895A>T, p.Lys632Met (NM_001324467.2); c.1598A>T, p.Lys533Met (NM_001324468.2); short protein forms K656M, K682M, K721M, K612M, K632M, K747M, K533M, K638M.
Identifiers: ClinVar variation 1033377 (VCV001033377.1), dbSNP rs113810922, ClinGen allele CA8940142.

ClinVar aggregate classification (germline): Uncertain significance (1 of 4 stars; one submission).

Conditions:
Intellectual developmental disorder, autosomal recessive 58. Also called: Intellectual disability, autosomal recessive 58. Identifiers: MedGen C4310641, MONDO:0014996, OMIM 617270.

Allele frequency attached by ClinVar (database versions not stated): 1000 Genomes Project below 0.00001; ExAC 0.00002; gnomAD 0.00002 and 0.00007; gnomAD exomes 0.00002; TOPMed 0.00004.
gnomAD v4.1: 34 of 1,595,840 alleles (0.0021%); highest among the groups gnomAD compares: African/African-American, 0.032%; no homozygotes.

Submission:

Baylor Genetics
Classification: Uncertain significance for Intellectual developmental disorder, autosomal recessive 58. Last evaluated: 2018-08-08. Review status: criteria provided, single submitter. Criteria: ACMG Guidelines, 2015. Collection method: clinical testing. Allele origin: unknown. Affected: yes.
Comment: This variant was determined to be of uncertain significance according to ACMG Guidelines, 2015 [PMID:25741868].